The following is an entry in ClinVar:

NM_033087.4(ALG2):c.813C>T (p.Asp271=)

Gene: ALG2 (ALG2 alpha-1,3/1,6-mannosyltransferase; minus strand). Cytogenetic location: 9q22.33.
Variant type: single nucleotide variant.
Coding change: c.813C>T on transcript NM_033087.4 (MANE Select); coding-DNA position 813, C replaced by T.
Protein change: p.Asp271=; no amino-acid change (aspartic acid 271 retained).
Molecular consequence: synonymous variant. On other transcripts: non-coding transcript variant (1).
Genome position (GRCh38, 1-based): chr9:99,218,372, G>A on the plus strand (C>T on the coding strand, the complement: ALG2 is on the minus strand). VCF-style: chr9-99218372-G-A. GRCh37 (hg19) VCF-style: chr9-101980654-G-A.
Identifiers: ClinVar variation 705551 (VCV000705551.12), dbSNP rs551873509, ClinGen allele CA5156246.

ClinVar aggregate classification (germline): Likely benign. Review status: criteria provided, multiple submitters, no conflicts (2 of 4 stars). 2 submissions from 2 submitters: Likely benign (2). Last evaluated 2025-12-09.

Conditions:
Congenital disorder of glycosylation, type Ii. Also called: ALG2-congenital disorder of glycosylation; CDG Ii; ALG2-CDG. Identifiers: Orphanet 79326, MedGen C1842836, MONDO:0011933, OMIM 607906.
Congenital myasthenic syndrome 14. Also called: Myasthenic syndrome, congenital, 14, with tubular aggregates. Identifiers: Orphanet 353327, Orphanet 590, MedGen C4015597, MONDO:0014543, OMIM 616228.
ALG2-related disorder. Also called: ALG2-related condition.

Allele frequency attached by ClinVar (database versions not stated): gnomAD exomes 0.00003 and 0.00006; ExAC 0.00006; gnomAD 0.00011 and 0.00010; 1000 Genomes Project 30x 0.00031; TOPMed 0.00006; 1000 Genomes Project 0.00040.
gnomAD v4.1: 63 of 1,614,168 alleles (0.0039%); highest among the groups gnomAD compares: Admixed American, 0.023%; 1 homozygote.

Submissions (2):

PreventionGenetics, part of Exact Sciences
Classification: Likely benign for ALG2-related condition. Last evaluated: 2025-12-09. Review status: criteria provided, single submitter. Criteria: ACMG Guidelines, 2015. Collection method: clinical testing. Allele origin: germline.
Comment: This variant is classified as likely benign based on ACMG/AMP sequence variant interpretation guidelines (Richards et al. 2015 PMID: 25741868, with internal and published modifications).

Labcorp Genetics (formerly Invitae), Labcorp
Classification: Likely benign for Congenital disorder of glycosylation, type Ii; Congenital myasthenic syndrome 14. Last evaluated: 2025-07-27. Review status: criteria provided, single submitter. Criteria: Invitae Variant Classification Sherloc (09022015). Collection method: clinical testing. Allele origin: germline.